The following is an entry in ClinVar:

NM_002941.4(ROBO1):c.173-79487C>G

Gene: ROBO1 (roundabout guidance receptor 1; minus strand). Cytogenetic location: 3p12.3.
Variant type: single nucleotide variant.
Coding change: c.173-79487C>G on transcript NM_002941.4 (MANE Select); 79487 bases into the intron before coding-DNA position 173, C replaced by G.
Molecular consequence: intron variant. On other transcripts: synonymous variant (3).
Genome position (GRCh38, 1-based): chr3:79,018,414, G>C on the plus strand (C>G on the coding strand, the complement: ROBO1 is on the minus strand). VCF-style: chr3-79018414-G-C. GRCh37 (hg19) VCF-style: chr3-79067564-G-C.
Other names: c.48C>G, p.Leu16= (NM_001145844.1, NM_001145845.2, NM_133631.4).
Identifiers: ClinVar variation 3057714 (VCV003057714.2), dbSNP rs562870432, ClinGen allele CA2499335.
Genomic context (GRCh38, chr3:79,018,414, plus strand): 5'-GAGAGGGGGCGAACAGGGAGGATCAAGGGTGAAGAAAGAAGACGCGGGGTTACCTGAACA[G>C]AGACATATTAATCCAAACAGGTAAAAGTGAGCGGGCTCCGCAATCATTGTCCTCGGGTGG-3'

ClinVar aggregate classification (germline): Likely benign (0 of 4 stars; one submission).

Conditions:
ROBO1-related disorder. Also called: ROBO1-related condition.

Allele frequency attached by ClinVar (database versions not stated): ExAC 0.00013; 1000 Genomes Project 30x 0.00016; gnomAD 0.00017; gnomAD exomes 0.00017; TOPMed 0.00019.
gnomAD v4.1: 300 of 1,613,904 alleles (0.019%); highest among the groups gnomAD compares: Middle Eastern, 0.26%; no homozygotes.

Submission:

PreventionGenetics, part of Exact Sciences
Classification: Likely benign for ROBO1-related condition. Last evaluated: 2020-07-20. Review status: no assertion criteria provided. Collection method: clinical testing. Allele origin: germline.
Comment: This variant is classified as likely benign based on ACMG/AMP sequence variant interpretation guidelines (Richards et al. 2015 PMID: 25741868, with internal and published modifications).